The following is an entry in ClinVar:

ClinVar aggregate classification (germline): Conflicting classifications of pathogenicity. Review status: criteria provided, conflicting classifications (1 of 4 stars). 5 submissions from 5 submitters: Uncertain significance (3); Likely benign (2). Last evaluated 2024-10-16.

Conditions:
Aortic aneurysm, familial thoracic 4 (AAT4). Also called: AORTIC ANEURYSM/AORTIC DISSECTION AND PATENT DUCTUS ARTERIOSUS. Identifiers: MedGen C1851504, MONDO:0007568, OMIM 132900.
Familial thoracic aortic aneurysm and aortic dissection (TAAD). Also called: Thoracic aortic aneurysms and dissections. Identifiers: Orphanet 91387, MedGen C4707243, MONDO:0019625.

Allele frequency attached by ClinVar (database versions not stated): ExAC 0.00001; gnomAD exomes 0.00004; TOPMed 0.00004; gnomAD 0.00007 and 0.00008.
gnomAD v4.1: 25 of 1,611,274 alleles (0.0016%); highest among the groups gnomAD compares: Admixed American, 0.03%; no homozygotes.

Submissions (5):

Labcorp Genetics (formerly Invitae), Labcorp
Classification: Uncertain significance for Aortic aneurysm, familial thoracic 4. Last evaluated: 2024-10-16. Review status: criteria provided, single submitter. Criteria: Invitae Variant Classification Sherloc (09022015). Collection method: clinical testing. Allele origin: germline.
Comment: This sequence change falls in intron 26 of the MYH11 gene. It does not directly change the encoded amino acid sequence of the MYH11 protein. It affects a nucleotide within the consensus splice site. This variant is present in population databases (rs766421052, gnomAD 0.02%). This variant has not been reported in the literature in individuals affected with MYH11-related conditions. ClinVar contains an entry for this variant (Variation ID: 632914). Variants that disrupt the consensus splice site are a relatively common cause of aberrant splicing (PMID: 17576681, 9536098). Algorithms developed to predict the effect of sequence changes on RNA splicing suggest that this variant is not likely to affect RNA splicing. In summary, the available evidence is currently insufficient to determine the role of this variant in disease. Therefore, it has been classified as a Variant of Uncertain Significance.

All of Us Research Program, National Institutes of Health
Classification: Likely benign for Familial thoracic aortic aneurysm and aortic dissection. Last evaluated: 2024-06-11. Review status: criteria provided, single submitter. Criteria: ACMG Guidelines, 2015. Collection method: clinical testing. Allele origin: germline. Inheritance: Autosomal dominant inheritance. Observed: 2 variant alleles, 2 heterozygotes.
Comment: This study involves interpretation of variants in research participants for the purpose of population health screening. Participant phenotype was not available at the time of variant classification. Additional details can be found in publication PMID: 35346344, PMCID: PMC8962531

Ambry Genetics
Classification: Uncertain significance for Familial thoracic aortic aneurysm and aortic dissection. Last evaluated: 2020-11-20. Review status: criteria provided, single submitter. Criteria: Ambry Variant Classification Scheme 2023. Collection method: clinical testing. Allele origin: germline.
Comment: The c.3293+5C>T intronic variant results from a C to T substitution 5 nucleotides after coding exon 24 in the MYH11 gene. This nucleotide position is not well conserved in available vertebrate species. In silico splice site analysis predicts that this alteration will not have any significant effect on splicing. Since supporting evidence is limited at this time, the clinical significance of this alteration remains unclear.

Color Diagnostics, LLC DBA Color Health
Classification: Likely benign for Familial thoracic aortic aneurysm and aortic dissection. Last evaluated: 2018-11-08. Review status: criteria provided, single submitter. Criteria: ACMG Guidelines, 2015. Collection method: clinical testing. Allele origin: germline.

Women's Health and Genetics/Laboratory Corporation of America, LabCorp
Classification: Uncertain significance. Last evaluated: 2018-06-20. Review status: criteria provided, single submitter. Criteria: LabCorp Variant Classification Summary - May 2015. Collection method: clinical testing. Allele origin: germline.
Comment: Variant summary: MYH11 c.3314+5C>T alters a non-conserved nucleotide located close to a canonical splice site and therefore could affect mRNA splicing, leading to a significantly altered protein sequence. 5/5 computational tools predict no significant impact on normal splicing. However, these predictions have yet to be confirmed by functional studies. The variant allele was found at a frequency of 3.7e-05 in 244818 control chromosomes (gnomAD). The variant was predominantly observed in the Latino cohort with an allele frequency of 0.00021 (7/33576), which is approximately 168-folds higher than the expected allele frequency for a pathogenic MYH11 variant of 1.3e-06 for Aortopathy. Therefore, suggesting the variant is a benign polymorphism found predominantly in population(s) of Latino origin. To our knowledge, no occurrence of c.3314+5C>T in individuals affected with Aortopathy and no experimental evidence demonstrating its impact on protein function have been reported. No clinical diagnostic laboratories have submitted clinical-significance assessments for this variant to ClinVar after 2014. Based on the evidence outlined above, the variant was classified as VUS - possibly benign.

Literature cited by the submitters: PubMed 17576681 (cited by Labcorp Genetics (formerly Invitae), Labcorp); PubMed 9536098 (cited by Labcorp Genetics (formerly Invitae), Labcorp).

NM_002474.3(MYH11):c.3293+5C>T

Gene: MYH11 (myosin heavy chain 11; minus strand). Cytogenetic location: 16p13.11.
Variant type: single nucleotide variant.
Coding change: c.3293+5C>T on transcript NM_002474.3 (MANE Select); 5 bases into the intron after coding-DNA position 3293, C replaced by T.
Molecular consequence: intron variant.
Genome position (GRCh38, 1-based): chr16:15,737,444, G>A on the plus strand (C>T on the coding strand, the complement: MYH11 is on the minus strand). VCF-style: chr16-15737444-G-A. GRCh37 (hg19) VCF-style: chr16-15831301-G-A.
Other names: c.3293+5C>T (NM_022844.3); c.3314+5C>T (NM_001040114.2, NM_001040113.2).
Identifiers: ClinVar variation 632914 (VCV000632914.12), dbSNP rs766421052, ClinGen allele CA7922044.